The following is an entry in ClinVar:

ClinVar aggregate classification (germline): Benign. Review status: criteria provided, multiple submitters, no conflicts (2 of 4 stars). 2 submissions from 2 submitters: Benign (2). Last evaluated 2018-01-13.

Conditions:
Immunodeficiency 104. Also called: SCID, AUTOSOMAL RECESSIVE, T CELL-NEGATIVE, B CELL-POSITIVE, NK CELL-POSITIVE; Severe Combined Immune Deficiency, Autosomal Recessive, TCell -Negative, B Cell-Positive, NK Cell-Positive, IL7R-Related; Severe combined immunodeficiency, autosomal recessive, T cell-negative, B cell-positive, NK cell-positive; IMMUNODEFICIENCY 104, SEVERE COMBINED. Identifiers: MedGen C5676890, MONDO:0012163, OMIM 608971.

Allele frequency attached by ClinVar (database versions not stated): 1000 Genomes Project 0.02815; 1000 Genomes Project 30x 0.03029.
gnomAD v4.1: 3,707 of 233,124 alleles (1.6%); highest among the groups gnomAD compares: African/African-American, 7.5%; 131 homozygotes.

Submissions (2):

Illumina Laboratory Services, Illumina
Classification: Benign for Immunodeficiency 104. Last evaluated: 2018-01-13. Review status: criteria provided, single submitter. Criteria: ICSL Variant Classification Criteria 13 December 2019. Collection method: clinical testing. Allele origin: germline.
Comment: This variant was observed in the ICSL laboratory as part of a predisposition screen in an ostensibly healthy population. It had not been previously curated by ICSL or reported in the Human Gene Mutation Database (HGMD: prior to June 1st, 2018), and was therefore a candidate for classification through an automated scoring system. Utilizing variant allele frequency, disease prevalence and penetrance estimates, and inheritance mode, an automated score was calculated to assess if this variant is too frequent to cause the disease. Based on the score and internal cut-off values, a variant classified as benign is not then subjected to further curation. The score for this variant resulted in a classification of benign for this disease.

Breakthrough Genomics
Classification: Benign. Review status: criteria provided, single submitter. Criteria: ACMG Guidelines, 2015. Collection method: not provided. Allele origin: germline. Inheritance: Autosomal recessive inheritance. Affected: yes.

NM_002185.5(IL7R):c.*1253G>T

Gene: IL7R (interleukin 7 receptor; plus strand). Cytogenetic location: 5p13.2.
Variant type: single nucleotide variant.
Coding change: c.*1253G>T on transcript NM_002185.5 (MANE Select); 1253 bases downstream of the stop codon, G replaced by T.
Molecular consequence: 3 prime UTR variant. On other transcripts: non-coding transcript variant (1).
Genome position (GRCh38, 1-based): chr5:35,877,739, G>T. VCF-style: chr5-35877739-G-T. GRCh37 (hg19) VCF-style: chr5-35877841-G-T.
Identifiers: ClinVar variation 353289 (VCV000353289.6), dbSNP rs10491435, ClinGen allele CA10624539.